The following is an entry in ClinVar:

NM_001365536.1(SCN9A):c.3158T>C (p.Leu1053Pro)

Genes: SCN9A (sodium voltage-gated channel alpha subunit 9; minus strand), SCN1A-AS1 (SCN1A and SCN9A antisense RNA 1; plus strand). Cytogenetic location: 2q24.3.
Variant type: single nucleotide variant.
Coding change: c.3158T>C on transcript NM_001365536.1 (MANE Select); coding-DNA position 3158, T replaced by C.
Protein change: p.Leu1053Pro; replaces leucine 1053 with proline.
Molecular consequence: missense variant.
Genome position (GRCh38, 1-based): chr2:166,272,592, A>G on the plus strand (T>C on the coding strand, the complement: SCN9A is on the minus strand). VCF-style: chr2-166272592-A-G. GRCh37 (hg19) VCF-style: chr2-167129102-A-G.
Other names: c.3125T>C, p.Leu1042Pro (NM_002977.4); short protein forms L1042P, L1053P.
Identifiers: ClinVar variation 577153 (VCV000577153.9), dbSNP rs1281773674, ClinGen allele CA349073513.

ClinVar aggregate classification (germline): Uncertain significance (1 of 4 stars; one submission).

Conditions:
Neuropathy, hereditary sensory and autonomic, type 2A (HSAN2A). Also called: HSAN IIA; ACROOSTEOLYSIS, GIACCAI TYPE; ACROOSTEOLYSIS, NEUROGENIC; WNK1-Related HSAN2 (HSAN2A); MORVAN DISEASE; NEUROPATHY, CONGENITAL SENSORY. Identifiers: Orphanet 970, MedGen C2752089, MONDO:0024309, OMIM 201300.
Generalized epilepsy with febrile seizures plus, type 7 (GEFSP7). Also called: GEFS+, TYPE 7. Identifiers: Orphanet 36387, MedGen C2751778, MONDO:0013470, OMIM 613863.

Allele frequency attached by ClinVar (database versions not stated): gnomAD exomes below 0.00001; gnomAD 0.00001; TOPMed 0.00001.
gnomAD v4.1: 3 of 1,613,336 alleles (0.00019%); highest among the groups gnomAD compares: African/African-American, 0.004%; no homozygotes.

Submission:

Labcorp Genetics (formerly Invitae), Labcorp
Classification: Uncertain significance for Neuropathy, hereditary sensory and autonomic, type 2A; Generalized epilepsy with febrile seizures plus, type 7. Last evaluated: 2018-03-03. Review status: criteria provided, single submitter. Criteria: Invitae Variant Classification Sherloc (09022015). Collection method: clinical testing. Allele origin: germline.
Comment: In summary, the available evidence is currently insufficient to determine the role of this variant in disease. Therefore, it has been classified as a Variant of Uncertain Significance. This sequence change replaces leucine with proline at codon 1042 of the SCN9A protein (p.Leu1042Pro). The leucine residue is moderately conserved and there is a moderate physicochemical difference between leucine and proline. This variant is not present in population databases (ExAC no frequency). This variant has not been reported in the literature in individuals with SCN9A-related disease. Algorithms developed to predict the effect of missense changes on protein structure and function do not agree on the potential impact of this missense change (SIFT: "Deleterious"; PolyPhen-2: "Benign"; Align-GVGD: "Class C0").